The following is an entry in ClinVar:

ClinVar aggregate classification (germline): Likely benign (1 of 4 stars; one submission).

Conditions:
Breast-ovarian cancer, familial, susceptibility to, 2 (BROVCA2). Also called: BRCA2 Hereditary Breast and Ovarian Cancer. Identifiers: Orphanet 145, MedGen C2675520, MONDO:0012933, OMIM 612555. Disease mechanism: loss of function.

gnomAD v4.1: 2 of 1,612,294 alleles (0.00012%); highest among the groups gnomAD compares: South Asian, 0.0022%; no homozygotes.

Submission:

Cancer Bioinformatics and Tumour Evolution Laboratory, Monash University
Classification: Likely benign for Breast-ovarian cancer, familial, susceptibility to, 2. Last evaluated: 2026-05-01. Review status: criteria provided, single submitter. Criteria: ClinGen BRCA1 and BRCA2 Guidelines, 2024. Collection method: curation. Allele origin: germline. Inheritance: Autosomal dominant inheritance.
Comment: Missense variant outside of a functional domain with no splice impact. BRCA1 and BRCA2 VCEP guidelines recommend application of BP1_Strong (PMID: 39142283)

NM_000059.4(BRCA2):c.5291C>T (p.Ser1764Leu)

Gene: BRCA2 (BRCA2 DNA repair associated; plus strand). Cytogenetic location: 13q13.1.
Variant type: single nucleotide variant.
Coding change: c.5291C>T on transcript NM_000059.4 (MANE Select); coding-DNA position 5291, C replaced by T.
Protein change: p.Ser1764Leu; replaces serine 1764 with leucine.
Molecular consequence: missense variant. On other transcripts: non-coding transcript variant (1), intron variant (2).
Genome position (GRCh38, 1-based): chr13:32,339,646, C>T. VCF-style: chr13-32339646-C-T. GRCh37 (hg19) VCF-style: chr13-32913783-C-T.
Other names: c.5291C>T, p.Ser1764Leu (NM_001406719.1, NM_001406720.1, NM_001432077.1); c.1910-4912C>T (NM_001406721.1); c.425-4912C>T (NM_001406722.1); short protein forms S1764L.
Identifiers: ClinVar variation 4856454 (VCV004856454.1).
Genomic context (GRCh38, chr13:32,339,646, plus strand): 5'-GCATGTCTAACAGCTATTCCTACCATTCTGATGAGGTATATAATGATTCAGGATATCTCT[C>T]AAAAAATAAACTTGATTCTGGTATTGAGCCAGTATTGAAGAATGTTGAAGATCAAAAAAA-3'
Protein context (NP_000050.3, residues 1754-1774): DEVYNDSGYL[Ser1764Leu]KNKLDSGIEP